The following is an entry in ClinVar:

ClinVar aggregate classification (germline): Likely benign (0 of 4 stars; one submission).

Conditions:
UTP4-related disorder. Also called: UTP4-related condition.

Allele frequency attached by ClinVar (database versions not stated): gnomAD 0.00003; TOPMed 0.00003; ExAC 0.00004; 1000 Genomes Project 30x 0.00016; 1000 Genomes Project 0.00020.
gnomAD v4.1: 50 of 1,614,192 alleles (0.0031%); highest among the groups gnomAD compares: Admixed American, 0.018%; no homozygotes.

Submission:

PreventionGenetics, part of Exact Sciences
Classification: Likely benign for UTP4-related condition. Last evaluated: 2023-12-07. Review status: no assertion criteria provided. Collection method: clinical testing. Allele origin: germline.
Comment: This variant is classified as likely benign based on ACMG/AMP sequence variant interpretation guidelines (Richards et al. 2015 PMID: 25741868, with internal and published modifications).

NM_032830.3(UTP4):c.897G>A (p.Ala299=)

Gene: UTP4 (UTP4 small subunit processome component). Cytogenetic location: 16q22.1.
Variant type: single nucleotide variant.
Coding change: c.897G>A on transcript NM_032830.3 (MANE Select); coding-DNA position 897, G replaced by A.
Protein change: p.Ala299=; no amino-acid change (alanine 299 retained).
Molecular consequence: synonymous variant.
Genome position (GRCh38, 1-based): chr16:69,150,695, G>A. VCF-style: chr16-69150695-G-A. GRCh37 (hg19) VCF-style: chr16-69184598-G-A.
Other names: c.648G>A, p.Ala216= (NM_001318391.2).
Identifiers: ClinVar variation 3032575 (VCV003032575.2), dbSNP rs554532839, ClinGen allele CA8132204.
Genomic context (GRCh38, chr16:69,150,695, plus strand): 5'-GACAAAACCGTTCCAGCATCACACTCATGACGTGCGCACTGTGGCCCACAGCCCAACAGC[G>A]CTGATATCTGGAGGTGGGTTCCCCCTCTGGTGAGGCTGCTGCTTTACCCTGCCCAGTTCT-3'
Protein context (NP_116219.2, residues 289-309): DVRTVAHSPT[Ala299=]LISGGTDTHL